The following is an entry in ClinVar:

ClinVar aggregate classification (germline): Uncertain significance. Review status: criteria provided, multiple submitters, no conflicts (2 of 4 stars). 2 submissions from 2 submitters: Uncertain significance (2). Last evaluated 2026-02-01.

Conditions:
Inborn genetic diseases. Identifiers: MedGen C0950123, MeSH D030342.

Allele frequency attached by ClinVar (database versions not stated): ExAC 0.00002.
gnomAD v4.1: 83 of 1,613,914 alleles (0.0051%); highest among the groups gnomAD compares: Non-Finnish European, 0.0069%; no homozygotes.

Submissions (2):

Labcorp Genetics (formerly Invitae), Labcorp
Classification: Uncertain significance. Last evaluated: 2026-02-01. Review status: criteria provided, single submitter. Criteria: Invitae Variant Classification Sherloc (09022015). Collection method: clinical testing. Allele origin: germline.
Comment: This sequence change replaces arginine, which is basic and polar, with tryptophan, which is neutral and slightly polar, at codon 343 of the MMP14 protein (p.Arg343Trp). This variant is present in population databases (rs774971754, gnomAD 0.004%). This variant has not been reported in the literature in individuals affected with MMP14-related conditions. ClinVar contains an entry for this variant (Variation ID: 2354776). Invitae Evidence Modeling of protein sequence and biophysical properties (such as structural, functional, and spatial information, amino acid conservation, physicochemical variation, residue mobility, and thermodynamic stability) indicates that this missense variant is expected to disrupt MMP14 protein function with a positive predictive value of 80%. In summary, the available evidence is currently insufficient to determine the role of this variant in disease. Therefore, it has been classified as a Variant of Uncertain Significance.

Ambry Genetics
Classification: Uncertain significance for Inborn genetic diseases. Last evaluated: 2021-06-11. Review status: criteria provided, single submitter. Criteria: Ambry Variant Classification Scheme 2023. Collection method: clinical testing. Allele origin: germline.

NM_004995.4(MMP14):c.1027C>T (p.Arg343Trp)

Gene: MMP14 (matrix metallopeptidase 14; plus strand). Cytogenetic location: 14q11.2.
Variant type: single nucleotide variant.
Coding change: c.1027C>T on transcript NM_004995.4 (MANE Select); coding-DNA position 1027, C replaced by T.
Protein change: p.Arg343Trp; replaces arginine 343 with tryptophan.
Molecular consequence: missense variant.
Genome position (GRCh38, 1-based): chr14:22,844,386, C>T. VCF-style: chr14-22844386-C-T. GRCh37 (hg19) VCF-style: chr14-23313595-C-T.
Other names: short protein forms R343W.
Identifiers: ClinVar variation 2354776 (VCV002354776.5), dbSNP rs774971754, ClinGen allele CA7105348.